The following is an entry in ClinVar:

NM_001267585.2(FBXW10):c.2256G>A (p.Leu752=)

Gene: FBXW10 (F-box and WD repeat domain containing 10; plus strand). Cytogenetic location: 17p11.2.
Variant type: single nucleotide variant.
Coding change: c.2256G>A on transcript NM_001267585.2 (MANE Select); coding-DNA position 2256, G replaced by A.
Protein change: p.Leu752=; no amino-acid change (leucine 752 retained).
Molecular consequence: synonymous variant. On other transcripts: non-coding transcript variant (1).
Genome position (GRCh38, 1-based): chr17:18,772,661, G>A. VCF-style: chr17-18772661-G-A. GRCh37 (hg19) VCF-style: chr17-18675974-G-A.
Other names: c.2097G>A, p.Leu699= (NM_001267586.2); c.2343G>A, p.Leu781= (NM_001411059.1).
Identifiers: ClinVar variation 2647560 (VCV002647560.24), dbSNP rs753546278, ClinGen allele CA8434788.

ClinVar aggregate classification (germline): Likely benign (1 of 4 stars; one submission).

Allele frequency attached by ClinVar (database versions not stated): gnomAD 0.00004; gnomAD exomes 0.00010; TOPMed 0.00001; ExAC 0.00022.
gnomAD v4.1: 151 of 1,611,704 alleles (0.0094%); highest among the groups gnomAD compares: South Asian, 0.14%; 2 homozygotes.

Submission:

CeGaT Center for Human Genetics Tuebingen
Classification: Likely benign. Last evaluated: 2023-03-01. Review status: criteria provided, single submitter. Criteria: CeGaT Center For Human Genetics Tuebingen Variant Classification Criteria Version 2. Collection method: clinical testing. Allele origin: germline. Affected: yes. Observed: 1 variant allele.
Comment: FBXW10: BP4, BP7